The following is an entry in ClinVar:

ClinVar aggregate classification (germline): Uncertain significance (1 of 4 stars; one submission).

Conditions:
Charcot-Marie-Tooth disease axonal type 2P. Also called: CHARCOT-MARIE-TOOTH NEUROPATHY, TYPE 2P; CHARCOT-MARIE-TOOTH DISEASE, AXONAL, TYPE 2G; CMT 2G; Charcot-Marie-Tooth Neuropathy Type 2G. Identifiers: Orphanet 300319, Orphanet 99941, MedGen C3280797, MONDO:0013753, OMIM 614436.

gnomAD v4.1: 9 of 1,613,682 alleles (0.00056%); highest among the groups gnomAD compares: African/African-American, 0.0013%; no homozygotes.

Submission:

Labcorp Genetics (formerly Invitae), Labcorp
Classification: Uncertain significance for Charcot-Marie-Tooth disease axonal type 2P. Last evaluated: 2024-08-28. Review status: criteria provided, single submitter. Criteria: Invitae Variant Classification Sherloc (09022015). Collection method: clinical testing. Allele origin: germline.
Comment: This sequence change replaces glutamine, which is neutral and polar, with leucine, which is neutral and non-polar, at codon 436 of the LRSAM1 protein (p.Gln436Leu). This variant is not present in population databases (gnomAD no frequency). This variant has not been reported in the literature in individuals affected with LRSAM1-related conditions. Invitae Evidence Modeling of protein sequence and biophysical properties (such as structural, functional, and spatial information, amino acid conservation, physicochemical variation, residue mobility, and thermodynamic stability) indicates that this missense variant is not expected to disrupt LRSAM1 protein function with a negative predictive value of 80%. In summary, the available evidence is currently insufficient to determine the role of this variant in disease. Therefore, it has been classified as a Variant of Uncertain Significance.

NM_001005373.4(LRSAM1):c.1307A>T (p.Gln436Leu)

Gene: LRSAM1 (leucine rich repeat and sterile alpha motif containing 1; plus strand). Cytogenetic location: 9q33.3.
Variant type: single nucleotide variant.
Coding change: c.1307A>T on transcript NM_001005373.4 (MANE Select); coding-DNA position 1307, A replaced by T.
Protein change: p.Gln436Leu; replaces glutamine 436 with leucine.
Molecular consequence: missense variant. On other transcripts: non-coding transcript variant (2).
Genome position (GRCh38, 1-based): chr9:127,487,723, A>T. VCF-style: chr9-127487723-A-T. GRCh37 (hg19) VCF-style: chr9-130250002-A-T.
Other names: c.1307A>T, p.Gln436Leu (NM_001005374.4, NM_001190723.3, NM_001384142.1 and 2 more transcripts); c.518A>T, p.Gln173Leu (NM_001384144.1); short protein forms Q173L, Q436L.
Identifiers: ClinVar variation 3614692 (VCV003614692.2).
Genomic context (GRCh38, chr9:127,487,723, plus strand): 5'-GTCTTTCTGGCAGCATGGCCGAAATGGATGAACGATTCCAGCAGATTCTGTCGTGGCAGC[A>T]AATGGATCAGAACAAAGCCATCAGCCAGATCCTGCAGGAGGTGAGCCCTCGCCCAGAGCC-3'
Protein context (NP_001005373.1, residues 426-446): ERFQQILSWQ[Gln436Leu]MDQNKAISQI